The following is an entry in ClinVar:

NM_182972.3(IRF2BP2):c.719C>G (p.Ser240Cys)

Gene: IRF2BP2 (interferon regulatory factor 2 binding protein 2; minus strand). Cytogenetic location: 1q42.3.
Variant type: single nucleotide variant.
Coding change: c.719C>G on transcript NM_182972.3 (MANE Select); coding-DNA position 719, C replaced by G.
Protein change: p.Ser240Cys; replaces serine 240 with cysteine.
Molecular consequence: missense variant.
Genome position (GRCh38, 1-based): chr1:234,608,776, G>C on the plus strand (C>G on the coding strand, the complement: IRF2BP2 is on the minus strand). VCF-style: chr1-234608776-G-C. GRCh37 (hg19) VCF-style: chr1-234744522-G-C.
Other names: c.719C>G, p.Ser240Cys (NM_001077397.1); short protein forms S240C.
Identifiers: ClinVar variation 3630230 (VCV003630230.1).

ClinVar aggregate classification (germline): Uncertain significance (1 of 4 stars; one submission).

gnomAD v4.1: 77 of 1,447,960 alleles (0.0053%); highest among the groups gnomAD compares: Non-Finnish European, 0.0063%; no homozygotes.

Submission:

Labcorp Genetics (formerly Invitae), Labcorp
Classification: Uncertain significance. Last evaluated: 2024-10-03. Review status: criteria provided, single submitter. Criteria: Invitae Variant Classification Sherloc (09022015). Collection method: clinical testing. Allele origin: germline.
Comment: This sequence change replaces serine, which is neutral and polar, with cysteine, which is neutral and slightly polar, at codon 240 of the IRF2BP2 protein (p.Ser240Cys). This variant is present in population databases (rs771536127, gnomAD 0.02%). This variant has not been reported in the literature in individuals affected with IRF2BP2-related conditions. An algorithm developed to predict the effect of missense changes on protein structure and function (PolyPhen-2) suggests that this variant is likely to be disruptive. In summary, the available evidence is currently insufficient to determine the role of this variant in disease. Therefore, it has been classified as a Variant of Uncertain Significance.